The following is an entry in ClinVar:

ClinVar aggregate classification (germline): Uncertain significance (1 of 4 stars; one submission).

Conditions:
Hereditary cancer-predisposing syndrome. Also called: Neoplastic Syndromes, Hereditary; Tumor predisposition; Hereditary Cancer Syndrome; Hereditary neoplastic syndrome. Identifiers: Orphanet 140162, MedGen C0027672, MeSH D009386, MONDO:0015356.

Submission:

Ambry Genetics
Classification: Uncertain significance for Hereditary cancer-predisposing syndrome. Last evaluated: 2020-10-30. Review status: criteria provided, single submitter. Criteria: Ambry Variant Classification Scheme 2023. Collection method: clinical testing. Allele origin: germline.
Comment: The c.3908_3910delCCA variant (also known as p.T1303del) is located in coding exon 25 of the ATM gene. This variant results from an in-frame CCA deletion at nucleotide positions 3908 to 3910. This results in the in-frame deletion of a threonine at codon 1303. This amino acid position is not well conserved in available vertebrate species. In addition, this alteration is predicted to be neutral by in silico analysis (Choi Y et al. PLoS ONE. 2012; 7(10):e46688). Since supporting evidence is limited at this time, the clinical significance of this alteration remains unclear.

NM_000051.4(ATM):c.3908_3910del (p.Thr1303del)

Gene: ATM (ATM serine/threonine kinase; plus strand). Cytogenetic location: 11q22.3.
Variant type: Deletion.
Coding change: c.3908_3910del on transcript NM_000051.4 (MANE Select); coding-DNA positions 3908 to 3910, 3 bases deleted (CCA; older notation c.3908_3910delCCA).
Protein change: p.Thr1303del; deletes threonine 1303.
Molecular consequence: inframe deletion.
Genome position (GRCh38, 1-based): chr11:108,284,388-108,284,390, CCA deleted; deleting any 3 consecutive bases within chr11:108,284,387-108,284,390 gives the same sequence; the c. name uses the placement nearest the transcript's 3' end. VCF-style (leftmost placement, unchanged base first): chr11-108284386-TACC-T. GRCh37 (hg19) VCF-style: chr11-108155113-TACC-T.
Other names: c.3908_3910del, p.Thr1303del (NM_001351834.2); short protein forms T1303del.
Identifiers: ClinVar variation 1736071 (VCV001736071.2), dbSNP rs2546887373, ClinGen allele CA2580083295.